The following is an entry in ClinVar:

NM_001287.6(CLCN7):c.746C>A (p.Pro249Gln)

Gene: CLCN7 (chloride voltage-gated channel 7; minus strand). Cytogenetic location: 16p13.3.
Variant type: single nucleotide variant.
Coding change: c.746C>A on transcript NM_001287.6 (MANE Select); coding-DNA position 746, C replaced by A.
Protein change: p.Pro249Gln; replaces proline 249 with glutamine.
Molecular consequence: missense variant.
Genome position (GRCh38, 1-based): chr16:1,457,330, G>T on the plus strand (C>A on the coding strand, the complement: CLCN7 is on the minus strand). VCF-style: chr16-1457330-G-T. GRCh37 (hg19) VCF-style: chr16-1507331-G-T.
Other names: c.674C>A, p.Pro225Gln (NM_001114331.3); short protein forms P225Q, P249Q.
Identifiers: ClinVar variation 2907478 (VCV002907478.3), dbSNP rs2038850050, ClinGen allele CA394191134.

ClinVar aggregate classification (germline): Likely pathogenic (1 of 4 stars; one submission).

Submission:

Labcorp Genetics (formerly Invitae), Labcorp
Classification: Likely pathogenic. Last evaluated: 2023-05-12. Review status: criteria provided, single submitter. Criteria: Invitae Variant Classification Sherloc (09022015). Collection method: clinical testing. Allele origin: germline.
Comment: In summary, the currently available evidence indicates that the variant is pathogenic, but additional data are needed to prove that conclusively. Therefore, this variant has been classified as Likely Pathogenic. This variant disrupts the p.Pro249 amino acid residue in CLCN7. Other variant(s) that disrupt this residue have been determined to be pathogenic (PMID: 11741829, 19543743, 30759959). This suggests that this residue is clinically significant, and that variants that disrupt this residue are likely to be disease-causing. Advanced modeling of protein sequence and biophysical properties (such as structural, functional, and spatial information, amino acid conservation, physicochemical variation, residue mobility, and thermodynamic stability) performed at Invitae indicates that this missense variant is expected to disrupt CLCN7 protein function. This missense change has been observed in individual(s) with autosomal dominant osteopetrosis (PMID: 31085352). This variant is not present in population databases (gnomAD no frequency). This sequence change replaces proline, which is neutral and non-polar, with glutamine, which is neutral and polar, at codon 249 of the CLCN7 protein (p.Pro249Gln).

Literature cited by the submitters: PubMed 11741829; PubMed 19543743; PubMed 30759959; PubMed 31085352.